The following is an entry in ClinVar:

NM_000091.5(COL4A3):c.2135G>T (p.Gly712Val)

Genes: COL4A3 (collagen type IV alpha 3 chain; plus strand), MFF-DT (MFF divergent transcript; minus strand). Cytogenetic location: 2q36.3.
Variant type: single nucleotide variant.
Coding change: c.2135G>T on transcript NM_000091.5 (MANE Select); coding-DNA position 2135, G replaced by T.
Protein change: p.Gly712Val; replaces glycine 712 with valine.
Molecular consequence: missense variant.
Genome position (GRCh38, 1-based): chr2:227,279,802, G>T. VCF-style: chr2-227279802-G-T. GRCh37 (hg19) VCF-style: chr2-228144518-G-T.
Other names: c.2135G>T (NM_000091.4); short protein forms G712V.
Identifiers: ClinVar variation 1298377 (VCV001298377.5), dbSNP rs2071832975, ClinGen allele CA350847476.

ClinVar aggregate classification (germline): Likely pathogenic. Review status: criteria provided, multiple submitters, no conflicts (2 of 4 stars). 5 submissions from 5 submitters: Likely pathogenic (5). Last evaluated 2025-09-11.

Conditions:
COL4A3-related disorder. Also called: COL4A3-related condition; COL4A3-Related Disorders.
Autosomal dominant Alport syndrome (ATS3A). Also called: Alport syndrome dominant type; Renal failure and sensorineural hearing loss; ALPORT SYNDROME 3A, AUTOSOMAL DOMINANT. Identifiers: Orphanet 63, Orphanet 88918, MedGen C5882663, MONDO:0007086, OMIM 104200.
Alport syndrome. Also called: Hemorrhagic familial nephritis; Hemorrhagic hereditary nephritis; Congenital hereditary hematuria. Identifiers: Orphanet 63, MedGen C1567741, MONDO:0018965.

Submissions (5):

Natera, Inc.
Classification: Likely pathogenic for Alport syndrome. Last evaluated: 2025-09-11. Review status: criteria provided, single submitter. Criteria: Natera Variant Classification Schema (03/2026). Collection method: clinical testing. Allele origin: germline.
Comment: The c.2135G>T variant in COL4A3 is a missense variant predicted to cause substitution of glycine to valine at amino acid 712. This variant is rare in the general population with a frequency below the threshold expected for the associated phenotype(s). This variant has been observed in affected individual(s) with monoallelic occurrence (heterozygous/hemizygous) (PMID: 26411580). This variant is located in a functionally critical region of the protein. Computational prediction algorithms indicate this variant is likely to affect gene or protein function. Given the available evidence, this variant is classified as Likely Pathogenic.

MVZ Medizinische Genetik Mainz
Classification: Likely pathogenic for Autosomal dominant Alport syndrome. Last evaluated: 2024-09-02. Review status: criteria provided, single submitter. Criteria: UK Practice Guidelines For Variant Classification V4 01 2020. Collection method: clinical testing. Allele origin: germline. Inheritance: Autosomal dominant inheritance. Affected: yes. Observed: 1 variant allele.
Comment: ACMG Criteria: PM1_STR,PS4_MOD,PM2_SUP,PP3,PP4

Victorian Clinical Genetics Services, Murdoch Childrens Research Institute
Classification: Likely pathogenic for Alport syndrome. Last evaluated: 2023-07-17. Review status: criteria provided, single submitter. Criteria: ACMG Guidelines, 2015. Collection method: clinical testing. Allele origin: germline. Affected: yes.
Comment: Based on the classification scheme VCGS_Germline_v1.3.4, this variant is classified as Likely Pathogenic. Following criteria are met: 0103 - Dominant negative and loss of function are known mechanisms of disease in this gene and are associated with Alport syndrome, MONDO:0018965, COL4A3-related. Glycine changes that are part of a G-X-Y repeat in the triple helix of a collagen domain are known to have a dominant negative effect (PMID: 12028435). (I) 0108 - This gene is associated with both recessive (Alport syndrome 2 MIM#203780) and dominant disease (Alport syndrome 3 MIM#104200 and benign familial haematuria MIM#141200) (OMIM). (I) 0200 - Variant is predicted to result in a missense amino acid change from glycine to valine. (I) 0251 - This variant is heterozygous. (I) 0301 - Variant is absent from gnomAD (both v2 and v3). (SP) 0501 - Missense variant consistently predicted to be damaging by multiple in silico tools or highly conserved with a major amino acid change. (SP) 0601 - Variant is located in the well-established functional glycine change within a G-X-Y motif (DECIPHER). (SP) 0710 - Other missense variants comparable to the one identified in this case have inconclusive previous evidence for pathogenicity. These variants (p.(Gly712Arg, p.(Gly712Ser)) have each been reported as a VUS (ClinVar). (I) 0803 - This variant has limited previous evidence of pathogenicity in unrelated individuals. This variant has been reported as likely pathogenic with limited clinical information (LOVD, ClinVar), and also observed in a family with dominant Alport syndrome (PMID: 26411580). (SP) 0906 - Segregation evidence for this variant is inconclusive. This variant has segregated in two affected individuals within a single family; however, this is an insufficient number of meioses to be used as evidence for pathogenicity (PMID: 26411580). (I) 1007 - No published functional evidence has been identified for this variant. (I) 1208 - Inheritance information for this variant is not currently available in this individual. (I) Legend: (SP) - Supporting pathogenic, (I) - Information, (SB) - Supporting benign

Blueprint Genetics
Classification: Likely pathogenic for COL4A3-related disorders. Last evaluated: 2022-05-04. Review status: criteria provided, single submitter. Criteria: ACMG Guidelines, 2015. Collection method: clinical testing. Allele origin: germline. Affected: yes. Observed: 4 variant alleles.

MVZ Martinsried, Medicover Genetics
Classification: Likely pathogenic for Autosomal dominant Alport syndrome. Last evaluated: 2021-03-25. Review status: criteria provided, single submitter. Criteria: ACGS Guidelines, 2020. Collection method: clinical testing. Allele origin: unknown. Affected: yes.

Literature cited by the submitters: PubMed 26411580 (cited by Natera, Inc. and Victorian Clinical Genetics Services, Murdoch Childrens Research Institute); PubMed 12028435 (cited by Victorian Clinical Genetics Services, Murdoch Childrens Research Institute).